The following is an entry in ClinVar:

NM_015404.4(WHRN):c.1167-26C>G

Gene: WHRN (whirlin; minus strand). Cytogenetic location: 9q32.
Variant type: single nucleotide variant.
Coding change: c.1167-26C>G on transcript NM_015404.4 (MANE Select); 26 bases into the intron before coding-DNA position 1167, C replaced by G.
Molecular consequence: intron variant. On other transcripts: missense variant (1).
Genome position (GRCh38, 1-based): chr9:114,425,050, G>C on the plus strand (C>G on the coding strand, the complement: WHRN is on the minus strand). VCF-style: chr9-114425050-G-C. GRCh37 (hg19) VCF-style: chr9-117187330-G-C.
Other names: c.88C>G, p.Leu30Val (NM_001346890.1); c.1167-26C>G (NM_001173425.2); c.18-26C>G (NM_001083885.3); short protein forms L30V.
Identifiers: ClinVar variation 4981289 (VCV004981289.1).

ClinVar aggregate classification (germline): Uncertain significance (1 of 4 stars; one submission).

Conditions:
WHRN-related disorder. Also called: WHRN-related condition.

gnomAD v4.1: 533 of 1,613,766 alleles (0.033%); highest among the groups gnomAD compares: Non-Finnish European, 0.043%; no homozygotes.

Submission:

PreventionGenetics, part of Exact Sciences
Classification: Uncertain significance for WHRN-related condition. Last evaluated: 2026-01-29. Review status: criteria provided, single submitter. Criteria: ACMG Guidelines, 2015. Collection method: clinical testing. Allele origin: germline.
Comment: The WHRN c.88C>G variant is predicted to result in the amino acid substitution p.Leu30Val. In an alternative transcript (NM_001346890) this variant is also described as c.88C>G (p.Leu30Val). To our knowledge, this variant has not been reported in the literature. This variant is reported in 0.034% of alleles in individuals of Latino descent in gnomAD. However, the use of computer prediction programs is not equivalent to functional evidence, and therefore the clinical significance of this variant is uncertain.